The following is an entry in ClinVar:

ClinVar aggregate classification (germline): Uncertain significance. Review status: criteria provided, single submitter (1 of 4 stars). 2 submissions from 2 submitters: Uncertain significance (1). 1 of the submissions does not count toward it. Last evaluated 2025-03-04.

Conditions:
Cardiac anomalies - developmental delay - facial dysmorphism syndrome (MRFACD). Also called: Impaired intellectual development and distinctive facial features with or without cardiac defects; MED13L Syndrome. Identifiers: Orphanet 369891, MedGen C5192431, MONDO:0014773, OMIM 616789.

Submissions (2):

Institute of Human Genetics, University of Leipzig Medical Center
Classification: Uncertain significance for Cardiac anomalies - developmental delay - facial dysmorphism syndrome. Last evaluated: 2025-03-04. Review status: criteria provided, single submitter. Criteria: ACMG Guidelines, 2015. Collection method: clinical testing. Allele origin: unknown. Inheritance: Autosomal dominant inheritance. Affected: yes.
Comment: Criteria applied: PM1_SUP,PM2,PP2,PP3

Zotz-Klimas Genetics Lab, MVZ Zotz Klimas
Classification: Uncertain significance for Cardiac anomalies - developmental delay - facial dysmorphism syndrome. Last evaluated: 2023-11-02. Review status: no assertion criteria provided. Collection method: clinical testing. Allele origin: germline. Affected: yes. Not counted in ClinVar's aggregate classification.

NM_015335.5(MED13L):c.5737A>T (p.Ser1913Cys)

Gene: MED13L (mediator complex subunit 13L; minus strand). Cytogenetic location: 12q24.21.
Variant type: single nucleotide variant.
Coding change: c.5737A>T on transcript NM_015335.5 (MANE Select); coding-DNA position 5737, A replaced by T.
Protein change: p.Ser1913Cys; replaces serine 1913 with cysteine.
Molecular consequence: missense variant.
Genome position (GRCh38, 1-based): chr12:115,972,231, T>A on the plus strand (A>T on the coding strand, the complement: MED13L is on the minus strand). VCF-style: chr12-115972231-T-A. GRCh37 (hg19) VCF-style: chr12-116410036-T-A.
Other names: c.5737A>T (NM_015335.4); short protein forms S1913C.
Identifiers: ClinVar variation 2627604 (VCV002627604.4), dbSNP rs919712205, ClinGen allele CA386877434.